The following is an entry in ClinVar:

ClinVar aggregate classification (germline): Uncertain significance (1 of 4 stars; one submission).

Conditions:
Cardiovascular phenotype. Identifiers: MedGen CN230736.

Submission:

Ambry Genetics
Classification: Uncertain significance for Cardiovascular phenotype. Last evaluated: 2019-10-21. Review status: criteria provided, single submitter. Criteria: Ambry Variant Classification Scheme 2023. Collection method: clinical testing. Allele origin: germline.
Comment: The c.6167-1G>A intronic variant results from a G to A substitution one nucleotide upstream from coding exon 41 of the RYR2 gene. This nucleotide position is highly conserved in available vertebrate species. Using the ESEfinder and Human Splicing Finder (HSF) splice site prediction tools, this alteration is predicted to abolish or weaken the native splice acceptor site; however, direct evidence is unavailable (Desmet FO et al. Nucleic Acids Res. 2009 May;37:e67). Alterations that disrupt the canonical splice site are expected to cause aberrant splicing, resulting in an abnormal protein or a transcript that is subject to nonsense-mediated mRNA decay. However, loss of function of RYR2 has not been clearly established as a mechanism of disease. Since supporting evidence is limited at this time, the clinical significance of this alteration remains unclear.

NM_001035.3(RYR2):c.6167-1G>A

Gene: RYR2 (ryanodine receptor 2; plus strand). Cytogenetic location: 1q43.
Variant type: single nucleotide variant.
Coding change: c.6167-1G>A on transcript NM_001035.3 (MANE Select); the canonical splice acceptor site of the intron before coding-DNA position 6167, G replaced by A.
Molecular consequence: splice acceptor variant.
Genome position (GRCh38, 1-based): chr1:237,627,806, G>A. VCF-style: chr1-237627806-G-A. GRCh37 (hg19) VCF-style: chr1-237791106-G-A.
Identifiers: ClinVar variation 1751973 (VCV001751973.2), dbSNP rs2546887617, ClinGen allele CA345410223.